The following is an entry in ClinVar:

NM_198428.3(BBS9):c.1280C>T (p.Ala427Val)

Gene: BBS9 (Bardet-Biedl syndrome 9; plus strand). Cytogenetic location: 7p14.3.
Variant type: single nucleotide variant.
Coding change: c.1280C>T on transcript NM_198428.3 (MANE Select); coding-DNA position 1280, C replaced by T.
Protein change: p.Ala427Val; replaces alanine 427 with valine.
Molecular consequence: missense variant. On other transcripts: non-coding transcript variant (3).
Genome position (GRCh38, 1-based): chr7:33,344,585, C>T. VCF-style: chr7-33344585-C-T. GRCh37 (hg19) VCF-style: chr7-33384197-C-T.
Other names: c.1280C>T, p.Ala427Val (NM_001033604.2, NM_001033605.2, NM_001348036.1 and 5 more transcripts); c.914C>T, p.Ala305Val (NM_001348037.3, NM_001348044.3, NM_001348045.3 and 1 more transcripts); c.1007C>T, p.Ala336Val (NM_001348038.3, NM_001348039.3); c.1145C>T, p.Ala382Val (NM_001348042.3); short protein forms A427V, A305V, A336V, A382V.
Identifiers: ClinVar variation 194138 (VCV000194138.52), dbSNP rs138072724, ClinGen allele CA200975.

ClinVar aggregate classification (germline): Conflicting classifications of pathogenicity. Review status: criteria provided, conflicting classifications (1 of 4 stars). 9 submissions from 9 submitters: Uncertain significance (1); Benign (4); Likely benign (4). Last evaluated 2026-10-01.

Conditions:
Bardet-Biedl syndrome (BBS). Identifiers: Orphanet 110, MedGen C0752166, MONDO:0015229.
Bardet-Biedl syndrome 9 (BBS9). Identifiers: Orphanet 110, MedGen C1859567, MONDO:0014437, OMIM 615986.

Allele frequency attached by ClinVar (database versions not stated): 1000 Genomes Project 30x 0.00265; 1000 Genomes Project 0.00280; TOPMed 0.00398; ExAC 0.00463; gnomAD exomes 0.00493 and 0.00749; ESP Exome Variant Server 0.00577; gnomAD 0.00584 and 0.00599.
gnomAD v4.1: 11,691 of 1,613,792 alleles (0.72%); highest among the groups gnomAD compares: Non-Finnish European, 0.88%; 67 homozygotes.

Submissions (16):

CeGaT Center for Human Genetics Tuebingen
Classification: Likely benign. Last evaluated: 2026-10-01. Review status: criteria provided, single submitter. Criteria: CeGaT Center For Human Genetics Tuebingen Variant Classification Criteria Version 2. Collection method: clinical testing. Allele origin: germline. Affected: yes. Observed: 20 variant alleles.
Comment: BBS9: BP4, BS2

Labcorp Genetics (formerly Invitae), Labcorp
Classification: Benign for Bardet-Biedl syndrome. Last evaluated: 2026-01-30. Review status: criteria provided, single submitter. Criteria: Invitae Variant Classification Sherloc (09022015). Collection method: clinical testing. Allele origin: germline.

Blueprint Genetics
Classification: Likely benign. Last evaluated: 2024-11-27. Review status: criteria provided, single submitter. Criteria: ACMG Guidelines, 2015. Collection method: clinical testing. Allele origin: germline.

Genetic Services Laboratory, University of Chicago
Classification: Benign. Last evaluated: 2021-06-21. Review status: criteria provided, single submitter. Criteria: ACMG Guidelines, 2015. Collection method: clinical testing. Allele origin: germline. Affected: no.

Illumina Laboratory Services, Illumina
Classification: Likely benign for Bardet-Biedl syndrome 9. Last evaluated: 2018-01-12. Review status: criteria provided, single submitter. Criteria: ICSL Variant Classification Criteria 13 December 2019. Collection method: clinical testing. Allele origin: germline.
Comment: This variant was observed in the ICSL laboratory as part of a predisposition screen in an ostensibly healthy population. It had not been previously curated by ICSL or reported in the Human Gene Mutation Database (HGMD: prior to June 1st, 2018), and was therefore a candidate for classification through an automated scoring system. Utilizing variant allele frequency, disease prevalence and penetrance estimates, and inheritance mode, an automated score was calculated to assess if this variant is too frequent to cause the disease. Based on the score and internal cut-off values, a variant classified as likely benign is not then subjected to further curation. The score for this variant resulted in a classification of likely benign for this disease.

Center for Pediatric Genomic Medicine, Children's Mercy Hospital and Clinics
Classification: Likely benign. Last evaluated: 2017-02-22. Review status: criteria provided, single submitter. Criteria: ACMG Guidelines, 2015. Collection method: clinical testing. Allele origin: germline.

GeneDx
Classification: Uncertain significance. Last evaluated: 2016-02-29. Review status: criteria provided, single submitter. Criteria: GeneDx Variant Classification (06012015). Collection method: clinical testing. Allele origin: germline. Affected: yes.
Comment: The A427V variant in the BBS9 gene has been published previously as a rare sequence variant with a frequency of0.9% (Lim et al., 2014); this variant was identified in the homozygous state in 1/9033 control individuals. TheNHLBI Exome Sequencing Project reports A427V was observed in 0.79% (68/8600) alleles from individuals ofEuropean American ancestry, and was present in the homozygous state in one individual. The A427V variant is aconservative amino acid substitution, which is not likely to impact secondary protein structure as these residues sharesimilar properties. This substitution occurs at a position where amino acids with similar properties to Alanine aretolerated across species. In silico analysis is inconsistent in its predictions as to whether or not the variant isdamaging to the protein structure/function. We interpret A427V as a variant of uncertain significance.

Eurofins Ntd Llc (ga)
Classification: Benign. Last evaluated: 2014-10-21. Review status: criteria provided, single submitter. Criteria: EGL Classification Definitions 2015. Collection method: clinical testing. Allele origin: germline. Observed: 1 variant allele, 1 heterozygote.

PreventionGenetics, part of Exact Sciences
Classification: Benign. Review status: criteria provided, single submitter. Criteria: ACMG Guidelines, 2015. Collection method: clinical testing. Allele origin: germline.

Dr. Peter K. Rogan Lab, Western University
No classification provided (evidence only). Condition: Clear cell carcinoma of kidney. Review status: no classification provided. Collection method: in vitro. Allele origin: not applicable. Functional consequence: skipped exon. Not counted in ClinVar's aggregate classification.

Dr. Peter K. Rogan Lab, Western University
No classification provided (evidence only). Condition: Melanoma. Review status: no classification provided. Collection method: in vitro. Allele origin: not applicable. Functional consequence: retained intron. Not counted in ClinVar's aggregate classification.

Dr. Peter K. Rogan Lab, Western University
No classification provided (evidence only). Condition: Thyroid cancer, nonmedullary, 1. Review status: no classification provided. Collection method: in vitro. Allele origin: not applicable. Functional consequence: retained intron. Not counted in ClinVar's aggregate classification.

Dr. Peter K. Rogan Lab, Western University
No classification provided (evidence only). Condition: Hepatocellular carcinoma. Review status: no classification provided. Collection method: in vitro. Allele origin: not applicable. Functional consequence: retained intron. Not counted in ClinVar's aggregate classification.

Dr. Peter K. Rogan Lab, Western University
No classification provided (evidence only). Condition: Gastric cancer. Review status: no classification provided. Collection method: in vitro. Allele origin: not applicable. Functional consequence: retained intron. Not counted in ClinVar's aggregate classification.

Dr. Peter K. Rogan Lab, Western University
No classification provided (evidence only). Condition: Gastric cancer. Review status: no classification provided. Collection method: in vitro. Allele origin: not applicable. Functional consequence: retained intron. Not counted in ClinVar's aggregate classification.

Dr. Peter K. Rogan Lab, Western University
No classification provided (evidence only). Condition: Malignant tumor of esophagus. Review status: no classification provided. Collection method: in vitro. Allele origin: not applicable. Functional consequence: retained intron. Not counted in ClinVar's aggregate classification.